The following is an entry in ClinVar:

NM_000127.3(EXT1):c.1091G>A (p.Trp364Ter)

Gene: EXT1 (exostosin glycosyltransferase 1; minus strand). Cytogenetic location: 8q24.11.
Variant type: single nucleotide variant.
Coding change: c.1091G>A on transcript NM_000127.3 (MANE Select); coding-DNA position 1091, G replaced by A.
Protein change: p.Trp364Ter; replaces tryptophan 364 with a stop codon.
Molecular consequence: nonsense.
Genome position (GRCh38, 1-based): chr8:117,835,517, C>T on the plus strand (G>A on the coding strand, the complement: EXT1 is on the minus strand). VCF-style: chr8-117835517-C-T. GRCh37 (hg19) VCF-style: chr8-118847756-C-T.
Other names: short protein forms W364*.
Identifiers: ClinVar variation 2418955 (VCV002418955.11), dbSNP rs2488132886, ClinGen allele CA371892571.

ClinVar aggregate classification (germline): Pathogenic/Likely pathogenic. Review status: criteria provided, multiple submitters, no conflicts (2 of 4 stars). 2 submissions from 2 submitters: Pathogenic (1); Likely pathogenic (1). Last evaluated 2025-07-23.

Conditions:
Exostoses, multiple, type 1 (EXT1). Also called: Hereditary Multiple Osteochondromatosis, Type I; EXOSTOSES, MULTIPLE, TYPE I. Identifiers: MedGen CN263289, MONDO:0007585, OMIM 133700.
Multiple congenital exostosis (EXT). Also called: Hereditary multiple osteochondromas; Multiple exostoses; Multiple osteochondromas; MULTIPLE CARTILAGINOUS EXOSTOSES; Hereditary multiple exostoses; Hereditary multiple exostosis. Identifiers: Orphanet 321, MedGen C0015306, MONDO:0005508, HP:0002762.

Submissions (2):

Labcorp Genetics (formerly Invitae), Labcorp
Classification: Pathogenic for Multiple congenital exostosis. Last evaluated: 2025-07-23. Review status: criteria provided, single submitter. Criteria: Invitae Variant Classification Sherloc (09022015). Collection method: clinical testing. Allele origin: germline.
Comment: This sequence change creates a premature translational stop signal (p.Trp364*) in the EXT1 gene. It is expected to result in an absent or disrupted protein product. Loss-of-function variants in EXT1 are known to be pathogenic (PMID: 10679937, 11391482, 19810120). This variant is not present in population databases (gnomAD no frequency). This premature translational stop signal has been observed in individual(s) with hereditary multiple osteochondromas (PMID: 30806661). ClinVar contains an entry for this variant (Variation ID: 2418955). Algorithms developed to predict the effect of sequence changes on RNA splicing suggest that this variant may disrupt the consensus splice site. For these reasons, this variant has been classified as Pathogenic.

Lifecell International Pvt. Ltd
Classification: Likely pathogenic for Exostoses, multiple, type 1. Review status: criteria provided, single submitter. Criteria: ACMG Guidelines, 2015. Collection method: clinical testing. Allele origin: germline. Inheritance: Autosomal dominant inheritance. Affected: yes. Observed: 1 heterozygote.
Comment: A Heterozygous Nonsense variant c.1091G>A in Exon 3 of the EXT1 gene that results in the amino acid substitution p.Trp364* was identified. The observed variant is novel in gnomAD exomes and genomes, respectively. The severity of the impact of this variant on the protein is high, based on the effect of the protein and REVEL score . Rare Exome Variant Ensemble Learner (REVEL) is an ensembl method for predicting the pathogenicity of missense variants based on a combination of scores from 13 individual tools: MutPred, FATHMM v2.3, VEST 3.0, PolyPhen-2, SIFT, PROVEAN, MutationAssessor, MutationTaster, LRT, GERP++, SiPhy, phyloP, and phastCons. The REVEL score for an individual missense variant can range from 0 to 1, with higher scores reflecting greater likelihood that the variant is disease-causing. Based on the above evidence this variant has been classified as Likely Pathogenic according to the ACMG guidelines.

Literature cited by the submitters: PubMed 10679937 (cited by Labcorp Genetics (formerly Invitae), Labcorp); PubMed 11391482 (cited by Labcorp Genetics (formerly Invitae), Labcorp); PubMed 19810120 (cited by Labcorp Genetics (formerly Invitae), Labcorp); PubMed 30806661 (cited by Labcorp Genetics (formerly Invitae), Labcorp).